The following is an entry in ClinVar:

ClinVar aggregate classification (germline): Uncertain significance. Review status: criteria provided, multiple submitters, no conflicts (2 of 4 stars). 2 submissions from 2 submitters: Uncertain significance (2). Last evaluated 2024-10-17.

Conditions:
Axenfeld-Rieger syndrome type 3 (RIEG3). Also called: AXENFELD-RIEGER ANOMALY WITH CARDIAC DEFECTS AND/OR SENSORINEURAL HEARING LOSS. Identifiers: Orphanet 782, MedGen C2678503, MONDO:0011233, OMIM 602482.

gnomAD v4.1: 2 of 1,378,278 alleles (0.00015%); highest among the groups gnomAD compares: African/African-American, 0.0015%; no homozygotes.

Submissions (2):

Labcorp Genetics (formerly Invitae), Labcorp
Classification: Uncertain significance for Axenfeld-Rieger syndrome type 3. Last evaluated: 2024-10-17. Review status: criteria provided, single submitter. Criteria: Invitae Variant Classification Sherloc (09022015). Collection method: clinical testing. Allele origin: germline.
Comment: This sequence change replaces proline, which is neutral and non-polar, with arginine, which is basic and polar, at codon 347 of the FOXC1 protein (p.Pro347Arg). This variant is not present in population databases (gnomAD no frequency). This variant has not been reported in the literature in individuals affected with FOXC1-related conditions. ClinVar contains an entry for this variant (Variation ID: 1714205). An algorithm developed to predict the effect of missense changes on protein structure and function (PolyPhen-2) suggests that this variant is likely to be tolerated. In summary, the available evidence is currently insufficient to determine the role of this variant in disease. Therefore, it has been classified as a Variant of Uncertain Significance.

GeneDx
Classification: Uncertain significance. Last evaluated: 2022-12-20. Review status: criteria provided, single submitter. Criteria: GeneDx Variant Classification Process June 2021. Collection method: clinical testing. Allele origin: germline. Affected: yes.
Comment: Not observed at significant frequency in large population cohorts (gnomAD); In silico analysis supports that this missense variant has a deleterious effect on protein structure/function; Has not been previously published as pathogenic or benign to our knowledge

NM_001453.3(FOXC1):c.1040C>G (p.Pro347Arg)

Gene: FOXC1 (forkhead box C1; plus strand). Cytogenetic location: 6p25.3.
Variant type: single nucleotide variant.
Coding change: c.1040C>G on transcript NM_001453.3 (MANE Select); coding-DNA position 1040, C replaced by G.
Protein change: p.Pro347Arg; replaces proline 347 with arginine.
Molecular consequence: missense variant.
Genome position (GRCh38, 1-based): chr6:1,611,485, C>G. VCF-style: chr6-1611485-C-G. GRCh37 (hg19) VCF-style: chr6-1611720-C-G.
Other names: c.1040C>G (NM_001453.2); short protein forms P347R.
Identifiers: ClinVar variation 1714205 (VCV001714205.6), dbSNP rs556342882, ClinGen allele CA133390908.